The following is an entry in ClinVar:

NM_001288772.2(PIK3C2G):c.3907C>T (p.Pro1303Ser)

Gene: PIK3C2G (phosphatidylinositol-4-phosphate 3-kinase catalytic subunit type 2 gamma; plus strand). Cytogenetic location: 12p12.3.
Variant type: single nucleotide variant.
Coding change: c.3907C>T on transcript NM_001288772.2 (MANE Select); coding-DNA position 3907, C replaced by T.
Protein change: p.Pro1303Ser; replaces proline 1303 with serine.
Molecular consequence: missense variant.
Genome position (GRCh38, 1-based): chr12:18,566,953, C>T. VCF-style: chr12-18566953-C-T. GRCh37 (hg19) VCF-style: chr12-18719887-C-T.
Other names: c.3241C>T, p.Pro1081Ser (NM_001288774.2); c.3784C>T, p.Pro1262Ser (NM_004570.6); short protein forms P1081S, P1262S, P1303S.
Identifiers: ClinVar variation 3024965 (VCV003024965.22), dbSNP rs146312199, ClinGen allele CA6470795.

ClinVar aggregate classification (germline): Likely benign (1 of 4 stars; one submission).

Allele frequency attached by ClinVar (database versions not stated): 1000 Genomes Project 30x 0.00156; 1000 Genomes Project 0.00180; ESP Exome Variant Server 0.00364.
gnomAD v4.1: 6,905 of 1,560,566 alleles (0.44%); highest among the groups gnomAD compares: Middle Eastern, 0.42%; 41 homozygotes.

Submission:

CeGaT Center for Human Genetics Tuebingen
Classification: Likely benign. Last evaluated: 2024-02-01. Review status: criteria provided, single submitter. Criteria: CeGaT Center For Human Genetics Tuebingen Variant Classification Criteria Version 2. Collection method: clinical testing. Allele origin: germline. Affected: yes. Observed: 1 variant allele.
Comment: PIK3C2G: BS2